The following is an entry in ClinVar:

NM_139027.6(ADAMTS13):c.3158C>T (p.Ala1053Val)

Gene: ADAMTS13 (ADAM metallopeptidase with thrombospondin type 1 motif 13; plus strand). Cytogenetic location: 9q34.2.
Variant type: single nucleotide variant.
Coding change: c.3158C>T on transcript NM_139027.6 (MANE Select); coding-DNA position 3158, C replaced by T.
Protein change: p.Ala1053Val; replaces alanine 1053 with valine.
Molecular consequence: missense variant. On other transcripts: non-coding transcript variant (1).
Genome position (GRCh38, 1-based): chr9:133,454,528, C>T. VCF-style: chr9-133454528-C-T. GRCh37 (hg19) VCF-style: chr9-136319650-C-T.
Other names: p.Ala1053Val; c.3158C>T, p.Ala1053Val (NM_139025.5); c.3065C>T, p.Ala1022Val (NM_139026.6); short protein forms A1022V, A1053V.
Identifiers: ClinVar variation 2683081 (VCV002683081.6), dbSNP rs373530345, ClinGen allele CA200943158.

ClinVar aggregate classification (germline): Conflicting classifications of pathogenicity. Review status: criteria provided, conflicting classifications (1 of 4 stars). 4 submissions from 4 submitters: Uncertain significance (2); Likely benign (1). 1 of the submissions does not count toward it. Last evaluated 2025-11-07.

Conditions:
ADAMTS13-related disorder. Also called: ADAMTS13-related condition.
Upshaw-Schulman syndrome (TTP). Also called: THROMBOTIC THROMBOCYTOPENIC PURPURA, HEREDITARY; Congenital thrombotic thrombocytopenic purpura. Identifiers: Orphanet 93583, MedGen C1268935, MONDO:0010122, OMIM 274150.

Allele frequency attached by ClinVar (database versions not stated): ExAC 0.00007; ESP Exome Variant Server 0.00023; 1000 Genomes Project 0.00040; 1000 Genomes Project 30x 0.00047.
gnomAD v4.1: 58 of 1,610,408 alleles (0.0036%); highest among the groups gnomAD compares: African/African-American, 0.063%; no homozygotes.

Submissions (4):

Mayo Clinic Laboratories, Mayo Clinic
Classification: Likely benign. Last evaluated: 2025-11-07. Review status: criteria provided, single submitter. Criteria: ACMG Guidelines, 2015. Collection method: clinical testing. Allele origin: germline. Observed: 4 variant alleles.
Comment: BS1, BP4

Women's Health and Genetics/Laboratory Corporation of America, LabCorp
Classification: Uncertain significance. Last evaluated: 2025-05-07. Review status: criteria provided, single submitter. Criteria: LabCorp Variant Classification Summary - May 2015. Collection method: clinical testing. Allele origin: germline.
Comment: Variant summary: ADAMTS13 c.3158C>T (p.Ala1053Val) results in a non-conservative amino acid change in the encoded protein sequence. Algorithms developed to predict the effect of missense changes on protein structure and function are either unavailable or do not agree on the potential impact of this missense change. The variant allele was found at a frequency of 5.3e-05 in 247198 control chromosomes. This frequency is not significantly higher than estimated for a pathogenic variant in ADAMTS13 causing Thrombotic Thrombocytopenic Purpura, allowing no conclusion about variant significance. To our knowledge, no occurrence of c.3158C>T in individuals affected with Thrombotic Thrombocytopenic Purpura and no experimental evidence demonstrating its impact on protein function have been reported. ClinVar contains an entry for this variant (Variation ID: 2683081). Based on the evidence outlined above, the variant was classified as uncertain significance.

Fulgent Genetics
Classification: Uncertain significance for Upshaw-Schulman syndrome. Last evaluated: 2023-12-22. Review status: criteria provided, single submitter. Criteria: ACMG Guidelines, 2015. Collection method: clinical testing. Allele origin: germline.

PreventionGenetics, part of Exact Sciences
Classification: Uncertain significance for ADAMTS13-related condition. Last evaluated: 2024-02-07. Review status: no assertion criteria provided. Collection method: clinical testing. Allele origin: germline. Not counted in ClinVar's aggregate classification.
Comment: The ADAMTS13 c.3158C>T variant is predicted to result in the amino acid substitution p.Ala1053Val. To our knowledge, this variant has not been reported in the literature. This variant is reported in 0.057% of alleles in individuals of African descent in gnomAD. Although we suspect that this variant may be benign, at this time, the clinical significance of this variant is uncertain due to the absence of conclusive functional and genetic evidence.